The following is an entry in ClinVar:

NM_004820.5(CYP7B1):c.197C>G (p.Pro66Arg)

Gene: CYP7B1 (cytochrome P450 family 7 subfamily B member 1; minus strand). Cytogenetic location: 8q12.3.
Variant type: single nucleotide variant.
Coding change: c.197C>G on transcript NM_004820.5 (MANE Select); coding-DNA position 197, C replaced by G.
Protein change: p.Pro66Arg; replaces proline 66 with arginine.
Molecular consequence: missense variant.
Genome position (GRCh38, 1-based): chr8:64,624,465, G>C on the plus strand (C>G on the coding strand, the complement: CYP7B1 is on the minus strand). VCF-style: chr8-64624465-G-C. GRCh37 (hg19) VCF-style: chr8-65537022-G-C.
Other names: c.197C>G, p.Pro66Arg (NM_001324112.2); short protein forms P66R.
Identifiers: ClinVar variation 240072 (VCV000240072.7), dbSNP rs878854745, ClinGen allele CA10582589.

ClinVar aggregate classification (germline): Pathogenic (1 of 4 stars; one submission).

Conditions:
Spastic paraplegia. Identifiers: MedGen C0037772, HP:0001258.

Submission:

Labcorp Genetics (formerly Invitae), Labcorp
Classification: Pathogenic for Spastic paraplegia. Last evaluated: 2025-01-20. Review status: criteria provided, single submitter. Criteria: Invitae Variant Classification Sherloc (09022015). Collection method: clinical testing. Allele origin: germline.
Comment: This sequence change replaces proline, which is neutral and non-polar, with arginine, which is basic and polar, at codon 66 of the CYP7B1 protein (p.Pro66Arg). This variant is not present in population databases (gnomAD no frequency). This missense change has been observed in individual(s) with hereditary spastic paraplegia (internal data). In at least one individual the data is consistent with being in trans (on the opposite chromosome) from a pathogenic variant. It has also been observed to segregate with disease in related individuals. ClinVar contains an entry for this variant (Variation ID: 240072). Invitae Evidence Modeling of protein sequence and biophysical properties (such as structural, functional, and spatial information, amino acid conservation, physicochemical variation, residue mobility, and thermodynamic stability) indicates that this missense variant is expected to disrupt CYP7B1 protein function with a positive predictive value of 95%. For these reasons, this variant has been classified as Pathogenic.